The following is an entry in ClinVar:

NM_152327.5(AK7):c.1825C>G (p.Arg609Gly)

Gene: AK7 (adenylate kinase 7; plus strand). Cytogenetic location: 14q32.2.
Variant type: single nucleotide variant.
Coding change: c.1825C>G on transcript NM_152327.5 (MANE Select); coding-DNA position 1825, C replaced by G.
Protein change: p.Arg609Gly; replaces arginine 609 with glycine.
Molecular consequence: missense variant.
Genome position (GRCh38, 1-based): chr14:96,483,070, C>G. VCF-style: chr14-96483070-C-G. GRCh37 (hg19) VCF-style: chr14-96949407-C-G.
Other names: c.1756C>G, p.Arg586Gly (NM_001350888.2, NM_001350890.2); c.1747C>G, p.Arg583Gly (NM_001350891.2); c.1627C>G, p.Arg543Gly (NM_001350892.2); short protein forms R543G, R583G, R586G, R609G.
Identifiers: ClinVar variation 2003971 (VCV002003971.4), dbSNP rs778246524, ClinGen allele CA7337974.

ClinVar aggregate classification (germline): Uncertain significance (1 of 4 stars; one submission).

Allele frequency attached by ClinVar (database versions not stated): gnomAD 0.00001; TOPMed 0.00001.
gnomAD v4.1: 1 of 1,613,952 alleles (0.000062%); highest among the groups gnomAD compares: African/African-American, 0.0013%; no homozygotes.

Submission:

Labcorp Genetics (formerly Invitae), Labcorp
Classification: Uncertain significance. Last evaluated: 2025-01-13. Review status: criteria provided, single submitter. Criteria: Invitae Variant Classification Sherloc (09022015). Collection method: clinical testing. Allele origin: germline.
Comment: This sequence change replaces arginine, which is basic and polar, with glycine, which is neutral and non-polar, at codon 609 of the AK7 protein (p.Arg609Gly). This variant is present in population databases (rs778246524, gnomAD 0.007%). This variant has not been reported in the literature in individuals affected with AK7-related conditions. ClinVar contains an entry for this variant (Variation ID: 2003971). Invitae Evidence Modeling of protein sequence and biophysical properties (such as structural, functional, and spatial information, amino acid conservation, physicochemical variation, residue mobility, and thermodynamic stability) indicates that this missense variant is expected to disrupt AK7 protein function with a positive predictive value of 80%. In summary, the available evidence is currently insufficient to determine the role of this variant in disease. Therefore, it has been classified as a Variant of Uncertain Significance.